The following is an entry in ClinVar:

ClinVar aggregate classification (germline): Uncertain significance (1 of 4 stars; one submission).

Conditions:
Predisposition to invasive fungal disease due to CARD9 deficiency (IMD103). Also called: Candidiasis, familial, 2, autosomal recessive; IMMUNODEFICIENCY 103, SUSCEPTIBILITY TO FUNGAL INFECTIONS; CARD9 IMMUNODEFICIENCY. Identifiers: Orphanet 457088, MedGen C1859353, MONDO:0008905, OMIM 212050.

Allele frequency attached by ClinVar (database versions not stated): ExAC 0.00001.
gnomAD v4.1: 3 of 1,610,736 alleles (0.00019%); highest among the groups gnomAD compares: African/African-American, 0.0013%; no homozygotes.

Submission:

Labcorp Genetics (formerly Invitae), Labcorp
Classification: Uncertain significance for Predisposition to invasive fungal disease due to CARD9 deficiency. Last evaluated: 2024-02-05. Review status: criteria provided, single submitter. Criteria: Invitae Variant Classification Sherloc (09022015). Collection method: clinical testing. Allele origin: germline.
Comment: This sequence change replaces glutamic acid, which is acidic and polar, with lysine, which is basic and polar, at codon 169 of the CARD9 protein (p.Glu169Lys). The frequency data for this variant in the population databases is considered unreliable, as metrics indicate poor data quality at this position in the gnomAD database. This variant has not been reported in the literature in individuals affected with CARD9-related conditions. ClinVar contains an entry for this variant (Variation ID: 2047025). Advanced modeling of protein sequence and biophysical properties (such as structural, functional, and spatial information, amino acid conservation, physicochemical variation, residue mobility, and thermodynamic stability) performed at Invitae indicates that this missense variant is not expected to disrupt CARD9 protein function with a negative predictive value of 80%. In summary, the available evidence is currently insufficient to determine the role of this variant in disease. Therefore, it has been classified as a Variant of Uncertain Significance.

NM_052813.5(CARD9):c.505G>A (p.Glu169Lys)

Gene: CARD9 (caspase recruitment domain family member 9; minus strand). Cytogenetic location: 9q34.3.
Variant type: single nucleotide variant.
Coding change: c.505G>A on transcript NM_052813.5 (MANE Select); coding-DNA position 505, G replaced by A.
Protein change: p.Glu169Lys; replaces glutamic acid 169 with lysine.
Molecular consequence: missense variant.
Genome position (GRCh38, 1-based): chr9:136,370,963, C>T on the plus strand (G>A on the coding strand, the complement: CARD9 is on the minus strand). VCF-style: chr9-136370963-C-T. GRCh37 (hg19) VCF-style: chr9-139265415-C-T.
Other names: c.505G>A, p.Glu169Lys (NM_052814.4); short protein forms E169K.
Identifiers: ClinVar variation 2047025 (VCV002047025.3), dbSNP rs751776187, ClinGen allele CA5333118.